The following is an entry in ClinVar:

ClinVar aggregate classification (germline): Uncertain significance. Review status: criteria provided, multiple submitters, no conflicts (2 of 4 stars). 2 submissions from 2 submitters: Uncertain significance (2). Last evaluated 2025-04-01.

gnomAD v4.1: 2 of 1,614,026 alleles (0.00012%); highest among the groups gnomAD compares: Admixed American, 0.0017%; no homozygotes.

Submissions (2):

Dasa
Classification: Uncertain significance. Last evaluated: 2025-04-01. Review status: criteria provided, single submitter. Criteria: DASA Assertion Criteria. Collection method: clinical testing. Allele origin: germline.
Comment: NM_014014.5(SNRNP200):c.4594A>T (p.Ile1532Phe) is a missense variant that results in the substitution of isoleucine with phenylalanine. This variant is rare in population databases. The currently available literature and clinical evidence are not sufficient to establish a definitive association between this variant and the reported condition. Therefore, this variant is classified as a variant of uncertain significance.

Labcorp Genetics (formerly Invitae), Labcorp
Classification: Uncertain significance. Last evaluated: 2022-09-13. Review status: criteria provided, single submitter. Criteria: Invitae Variant Classification Sherloc (09022015). Collection method: clinical testing. Allele origin: germline.
Comment: This sequence change replaces isoleucine, which is neutral and non-polar, with phenylalanine, which is neutral and non-polar, at codon 1532 of the SNRNP200 protein (p.Ile1532Phe). This variant is not present in population databases (gnomAD no frequency). This variant has not been reported in the literature in individuals affected with SNRNP200-related conditions. ClinVar contains an entry for this variant (Variation ID: 1355866). Advanced modeling of protein sequence and biophysical properties (such as structural, functional, and spatial information, amino acid conservation, physicochemical variation, residue mobility, and thermodynamic stability) performed at Invitae indicates that this missense variant is not expected to disrupt SNRNP200 protein function. In summary, the available evidence is currently insufficient to determine the role of this variant in disease. Therefore, it has been classified as a Variant of Uncertain Significance.

NM_014014.5(SNRNP200):c.4594A>T (p.Ile1532Phe)

Gene: SNRNP200 (small nuclear ribonucleoprotein U5 subunit 200; minus strand). Cytogenetic location: 2q11.2.
Variant type: single nucleotide variant.
Coding change: c.4594A>T on transcript NM_014014.5 (MANE Select); coding-DNA position 4594, A replaced by T.
Protein change: p.Ile1532Phe; replaces isoleucine 1532 with phenylalanine.
Molecular consequence: missense variant.
Genome position (GRCh38, 1-based): chr2:96,283,704, T>A on the plus strand (A>T on the coding strand, the complement: SNRNP200 is on the minus strand). VCF-style: chr2-96283704-T-A. GRCh37 (hg19) VCF-style: chr2-96949442-T-A.
Other names: short protein forms I1532F.
Identifiers: ClinVar variation 1355866 (VCV001355866.8), dbSNP rs771740670, ClinGen allele CA52391443.
Genomic context (GRCh38, chr2:96,283,704, plus strand): 5'-TGGTGATAGCATGGTACACAGGCTTGGCCATGGAGAGCAGGCGGGTTTGTGTATGGCTGA[T>A]GTTGAAGCCCTGGCGACCGGGGAGAAGAAAAGACACCAAGGTTATCAGACCTGGGTCACT-3'
Protein context (NP_054733.2, residues 1522-1542): PLELHIQGFN[Ile1532Phe]SHTQTRLLSM